The following is an entry in ClinVar:

NM_153631.3(HOXA3):c.321C>A (p.Pro107=)

Gene: HOXA3 (homeobox A3; minus strand). Cytogenetic location: 7p15.2.
Variant type: single nucleotide variant.
Coding change: c.321C>A on transcript NM_153631.3 (MANE Select); coding-DNA position 321, C replaced by A.
Protein change: p.Pro107=; no amino-acid change (proline 107 retained).
Molecular consequence: synonymous variant.
Genome position (GRCh38, 1-based): chr7:27,110,320, G>T on the plus strand (C>A on the coding strand, the complement: HOXA3 is on the minus strand). VCF-style: chr7-27110320-G-T. GRCh37 (hg19) VCF-style: chr7-27149939-G-T.
Other names: c.321C>A, p.Pro107= (NM_001384335.1, NM_001384336.1, NM_001384337.1 and 10 more transcripts).
Identifiers: ClinVar variation 2657361 (VCV002657361.24), dbSNP rs1438047631, ClinGen allele CA454508808.

ClinVar aggregate classification (germline): Likely benign (1 of 4 stars; one submission).

gnomAD v4.1: 1 of 1,525,288 alleles (0.000066%); highest among the groups gnomAD compares: Non-Finnish European, 0.000088%; no homozygotes.

Submission:

CeGaT Center for Human Genetics Tuebingen
Classification: Likely benign. Last evaluated: 2022-11-01. Review status: criteria provided, single submitter. Criteria: CeGaT Center For Human Genetics Tuebingen Variant Classification Criteria Version 2. Collection method: clinical testing. Allele origin: germline. Affected: yes. Observed: 1 variant allele.
Comment: HOXA3: BP4, BP7